The following is an entry in ClinVar:

ClinVar aggregate classification (germline): Uncertain significance (1 of 4 stars; one submission).

gnomAD v4.1: 2 of 1,612,878 alleles (0.00012%); highest among the groups gnomAD compares: Non-Finnish European, 0.00017%; no homozygotes.

Submission:

CeGaT Center for Human Genetics Tuebingen
Classification: Uncertain significance. Last evaluated: 2025-08-01. Review status: criteria provided, single submitter. Criteria: CeGaT Center For Human Genetics Tuebingen Variant Classification Criteria Version 2. Collection method: clinical testing. Allele origin: germline. Affected: yes. Observed: 1 variant allele.
Comment: TTN: PM2, BP4

NM_001267550.2(TTN):c.100837G>A (p.Val33613Ile)

Genes: TTN (titin; minus strand), TTN-AS1 (TTN antisense RNA 1; plus strand). Cytogenetic location: 2q31.2.
Variant type: single nucleotide variant.
Coding change: c.100837G>A on transcript NM_001267550.2 (MANE Select); coding-DNA position 100837, G replaced by A.
Protein change: p.Val33613Ile; replaces valine 33613 with isoleucine.
Molecular consequence: missense variant. On other transcripts: non-coding transcript variant (1).
Genome position (GRCh38, 1-based): chr2:178,535,778, C>T on the plus strand (G>A on the coding strand, the complement: TTN is on the minus strand). VCF-style: chr2-178535778-C-T. GRCh37 (hg19) VCF-style: chr2-179400505-C-T.
Other names: c.93133G>A, p.Val31045Ile (NM_133378.4); c.74017G>A, p.Val24673Ile (NM_133432.3); c.74218G>A, p.Val24740Ile (NM_133437.4); c.95914G>A, p.Val31972Ile (NM_001256850.1); c.73642G>A, p.Val24548Ile (NM_003319.4); short protein forms V24548I, V24673I, V24740I, V31045I, V31972I, V33613I.
Identifiers: ClinVar variation 3342130 (VCV003342130.16).
Genomic context (GRCh38, chr2:178,535,778, plus strand): 5'-GTCCTTTCTGCCAGGTGATCACAGGATCTGGTTTGCCACTGAAAGGAATCTTGATGCTGA[C>T]CACTTCACCTCGGAGAGCATGAACTGCTCCCATGCCTTCAAGAGTTTTAGGTAAGTGTAT-3'
Protein context (NP_001254479.2, residues 33603-33623): GAVHALRGEV[Val33613Ile]SIKIPFSGKP